The following is an entry in ClinVar:

ClinVar aggregate classification (germline): Uncertain significance. Review status: criteria provided, multiple submitters, no conflicts (2 of 4 stars). 5 submissions from 5 submitters: Uncertain significance (5). Last evaluated 2025-09-02.

Conditions:
Inborn genetic diseases. Identifiers: MedGen C0950123, MeSH D030342.
Developmental and epileptic encephalopathy, 23 (DEE23). Also called: Epileptic encephalopathy, early infantile, 23. Identifiers: Orphanet 411986, MedGen C4014492, MONDO:0014371, OMIM 615859.

Allele frequency attached by ClinVar (database versions not stated): gnomAD 0.00003; TOPMed 0.00003; ESP Exome Variant Server 0.00008; gnomAD exomes 0.00010; ExAC 0.00012.
gnomAD v4.1: 76 of 1,613,772 alleles (0.0047%); highest among the groups gnomAD compares: Middle Eastern, 0.033%; no homozygotes.

Submissions (5):

Labcorp Genetics (formerly Invitae), Labcorp
Classification: Uncertain significance for Developmental and epileptic encephalopathy, 23. Last evaluated: 2025-09-02. Review status: criteria provided, single submitter. Criteria: Invitae Variant Classification Sherloc (09022015). Collection method: clinical testing. Allele origin: germline.
Comment: This sequence change replaces asparagine, which is neutral and polar, with aspartic acid, which is acidic and polar, at codon 1071 of the DOCK7 protein (p.Asn1071Asp). This variant is present in population databases (rs371894094, gnomAD 0.01%). This variant has not been reported in the literature in individuals affected with DOCK7-related conditions. ClinVar contains an entry for this variant (Variation ID: 957869). Invitae Evidence Modeling of protein sequence and biophysical properties (such as structural, functional, and spatial information, amino acid conservation, physicochemical variation, residue mobility, and thermodynamic stability) indicates that this missense variant is expected to disrupt DOCK7 protein function with a positive predictive value of 80%. In summary, the available evidence is currently insufficient to determine the role of this variant in disease. Therefore, it has been classified as a Variant of Uncertain Significance.

Genome-Nilou Lab
Classification: Uncertain significance for Developmental and epileptic encephalopathy, 23. Last evaluated: 2023-04-11. Review status: criteria provided, single submitter. Criteria: ACMG Guidelines, 2015. Collection method: clinical testing. Allele origin: germline. Affected: no.

CeGaT Center for Human Genetics Tuebingen
Classification: Uncertain significance. Last evaluated: 2022-09-01. Review status: criteria provided, single submitter. Criteria: CeGaT Center For Human Genetics Tuebingen Variant Classification Criteria Version 2. Collection method: clinical testing. Allele origin: germline. Affected: yes. Observed: 1 variant allele.
Comment: DOCK7: PP2

Ambry Genetics
Classification: Uncertain significance for Inborn genetic diseases. Last evaluated: 2022-06-09. Review status: criteria provided, single submitter. Criteria: Ambry Variant Classification Scheme 2023. Collection method: clinical testing. Allele origin: germline.

Fulgent Genetics
Classification: Uncertain significance for Developmental and epileptic encephalopathy, 23. Last evaluated: 2021-10-18. Review status: criteria provided, single submitter. Criteria: ACMG Guidelines, 2015. Collection method: clinical testing. Allele origin: unknown.

NM_001367561.1(DOCK7):c.3211A>G (p.Asn1071Asp)

Gene: DOCK7 (dedicator of cytokinesis 7; minus strand). Cytogenetic location: 1p31.3.
Variant type: single nucleotide variant.
Coding change: c.3211A>G on transcript NM_001367561.1 (MANE Select); coding-DNA position 3211, A replaced by G.
Protein change: p.Asn1071Asp; replaces asparagine 1071 with aspartic acid.
Molecular consequence: missense variant.
Genome position (GRCh38, 1-based): chr1:62,539,634, T>C on the plus strand (A>G on the coding strand, the complement: DOCK7 is on the minus strand). VCF-style: chr1-62539634-T-C. GRCh37 (hg19) VCF-style: chr1-63005305-T-C.
Other names: c.3211A>G, p.Asn1071Asp (NM_001271999.2, NM_001330614.2); c.3118A>G, p.Asn1040Asp (NM_001272000.2, NM_001272001.2, NM_033407.4); c.3118A>G (NM_033407.2); short protein forms N1040D, N1071D.
Identifiers: ClinVar variation 957869 (VCV000957869.39), dbSNP rs371894094, ClinGen allele CA886052.